The following is an entry in ClinVar:

NM_000121.4(EPOR):c.1462C>T (p.Pro488Ser)

Gene: EPOR (erythropoietin receptor; minus strand). Cytogenetic location: 19p13.2.
Variant type: single nucleotide variant.
Coding change: c.1462C>T on transcript NM_000121.4 (MANE Select); coding-DNA position 1462, C replaced by T.
Protein change: p.Pro488Ser; replaces proline 488 with serine.
Molecular consequence: missense variant. On other transcripts: non-coding transcript variant (1).
Genome position (GRCh38, 1-based): chr19:11,378,049, G>A on the plus strand (C>T on the coding strand, the complement: EPOR is on the minus strand). VCF-style: chr19-11378049-G-A. GRCh37 (hg19) VCF-style: chr19-11488725-G-A.
Other names: short protein forms P488S.
Identifiers: ClinVar variation 268130 (VCV000268130.40), dbSNP rs142094773, ClinGen allele CA9210508.

ClinVar aggregate classification (germline): Benign/Likely benign. Review status: criteria provided, multiple submitters, no conflicts (2 of 4 stars). 8 submissions from 8 submitters: Benign (3); Likely benign (4). 1 of the submissions does not count toward it. Last evaluated 2025-12-29.

Conditions:
Primary familial polycythemia due to EPO receptor mutation. Also called: ERYTHROCYTOSIS, SOMATIC; POLYCYTHEMIA, PRIMARY FAMILIAL AND CONGENITAL; Erythrocytosis, familial, 1; Primary Familial Congenital Polycythemia. Identifiers: Orphanet 90042, MedGen C4551637, MONDO:0007572, OMIM 133100.
Intellectual disability-hypotonic facies syndrome, X-linked, 1 (MRXHF1). Also called: Smith Fineman Myers syndrome 1; XLMR-HYPOTONIC FACIES SYNDROME; HOLMES-GANG SYNDROME; X-linked intellectual disability-hypotonic face syndrome; CHUDLEY-LOWRY SYNDROME; Chudley syndrome 1. Identifiers: Orphanet 73220, Orphanet 93970, Orphanet 93971, Orphanet 93972, Orphanet 93973, Orphanet 93974, Orphanet 93975, MedGen C4759781, MONDO:0010663, OMIM 309580.

Allele frequency attached by ClinVar (database versions not stated): ESP Exome Variant Server 0.00300; gnomAD 0.00541 and 0.00540; 1000 Genomes Project 30x 0.00468; 1000 Genomes Project 0.00479; TOPMed 0.00545; ExAC 0.00584; gnomAD exomes 0.00475 and 0.00768.
gnomAD v4.1: 7,741 of 1,614,162 alleles (0.48%); highest among the groups gnomAD compares: Admixed American, 2.9%; 71 homozygotes.

Submissions (8):

Labcorp Genetics (formerly Invitae), Labcorp
Classification: Benign. Last evaluated: 2025-12-29. Review status: criteria provided, single submitter. Criteria: Invitae Variant Classification Sherloc (09022015). Collection method: clinical testing. Allele origin: germline.

Mayo Clinic Laboratories, Mayo Clinic
Classification: Likely benign. Last evaluated: 2025-09-16. Review status: criteria provided, single submitter. Criteria: ACMG Guidelines, 2015. Collection method: clinical testing. Allele origin: germline. Observed: 5 variant alleles.
Comment: BP4

ARUP Laboratories, Molecular Genetics and Genomics, ARUP Laboratories
Classification: Likely benign for Primary familial polycythemia due to EPO receptor mutation. Last evaluated: 2024-10-02. Review status: criteria provided, single submitter. Criteria: ARUP Molecular Germline Variant Investigation Process 2024. Collection method: clinical testing. Allele origin: germline.

CeGaT Center for Human Genetics Tuebingen
Classification: Benign. Last evaluated: 2022-09-01. Review status: criteria provided, single submitter. Criteria: CeGaT Center For Human Genetics Tuebingen Variant Classification Criteria Version 2. Collection method: clinical testing. Allele origin: germline. Affected: yes. Observed: 1 variant allele.
Comment: EPOR: BP4, BS1, BS2

Illumina Laboratory Services, Illumina
Classification: Likely benign for Primary familial polycythemia due to EPO receptor mutation. Last evaluated: 2017-04-27. Review status: criteria provided, single submitter. Criteria: ICSL Variant Classification Criteria 13 December 2019. Collection method: clinical testing. Allele origin: germline.
Comment: This variant was observed as part of a predisposition screen in an ostensibly healthy population. A literature search was performed for the gene, cDNA change, and amino acid change (where applicable). Publications were found based on this search. The evidence from the literature, in combination with allele frequency data from public databases where available, was sufficient to determine this variant is unlikely to cause disease. Therefore, this variant is classified as likely benign.

Breakthrough Genomics
Classification: Likely benign. Review status: criteria provided, single submitter. Criteria: ACMG Guidelines, 2015. Collection method: not provided. Allele origin: germline. Inheritance: Autosomal dominant inheritance. Affected: yes.

Broad Center for Mendelian Genomics, Broad Institute of MIT and Harvard
Classification: Benign for Intellectual disability-hypotonic facies syndrome, X-linked, 1. Review status: criteria provided, single submitter. Criteria: ACMG Guidelines, 2015. Collection method: research. Allele origin: germline. Inheritance: Autosomal dominant inheritance. Affected: yes.
Comment: The heterozygous p.Pro488Ser variant in EPOR has been identified in an individual with polycythaemia (PMID: 8174675), and has been identified in >3% of Latino chromosomes and 13 homozygotes by ExAC. In vitro functional studies provide some evidence that the p.Pro488Ser variant may not impact protein function (PMID: 8174675). However, these types of assays may not accurately represent biological function. In summary, this variant meets criteria to be classified as benign for autosomal dominant polycythaemia.

GeneReviews
No classification provided. Condition: Primary familial polycythemia due to EPO receptor mutation. Review status: no classification provided. Collection method: literature only. Allele origin: germline. Affected: yes. Not counted in ClinVar's aggregate classification.

Literature cited by the submitters: PubMed 27535533 (cited by Mayo Clinic Laboratories, Mayo Clinic); PubMed 35355248 (cited by Mayo Clinic Laboratories, Mayo Clinic); PubMed 36292571 (cited by Mayo Clinic Laboratories, Mayo Clinic); PubMed 37246471 (cited by Mayo Clinic Laboratories, Mayo Clinic); PubMed 8174675 (cited by 4 submitters); PubMed 9394420 (cited by Illumina Laboratory Services, Illumina); NCBI Bookshelf NBK395975 (cited by GeneReviews).